The following is an entry in ClinVar:

ClinVar aggregate classification (germline): Uncertain significance. Review status: criteria provided, multiple submitters, no conflicts (2 of 4 stars). 2 submissions from 2 submitters: Uncertain significance (2). Last evaluated 2025-10-07.

Allele frequency attached by ClinVar (database versions not stated): gnomAD 0.00001; gnomAD exomes 0.00002; ExAC 0.00003; TOPMed 0.00004; 1000 Genomes Project 0.00020; 1000 Genomes Project 30x 0.00031.
gnomAD v4.1: 12 of 1,614,184 alleles (0.00074%); highest among the groups gnomAD compares: Admixed American, 0.012%; no homozygotes.

Submissions (2):

Ambry Genetics
Classification: Uncertain significance. Last evaluated: 2025-10-07. Review status: criteria provided, single submitter. Criteria: Ambry Variant Classification Scheme 2023. Collection method: clinical testing. Allele origin: germline.

Labcorp Genetics (formerly Invitae), Labcorp
Classification: Uncertain significance. Last evaluated: 2023-05-10. Review status: criteria provided, single submitter. Criteria: Invitae Variant Classification Sherloc (09022015). Collection method: clinical testing. Allele origin: germline.
Comment: In summary, the available evidence is currently insufficient to determine the role of this variant in disease. Therefore, it has been classified as a Variant of Uncertain Significance. This variant is present in population databases (rs536799767, gnomAD 0.01%). This sequence change replaces arginine, which is basic and polar, with cysteine, which is neutral and slightly polar, at codon 431 of the LIPG protein (p.Arg431Cys). An algorithm developed to predict the effect of missense changes on protein structure and function (PolyPhen-2) suggests that this variant is likely to be disruptive. This variant has not been reported in the literature in individuals affected with LIPG-related conditions.

NM_006033.4(LIPG):c.1291C>T (p.Arg431Cys)

Gene: LIPG (lipase G, endothelial type; plus strand). Cytogenetic location: 18q21.1.
Variant type: single nucleotide variant.
Coding change: c.1291C>T on transcript NM_006033.4 (MANE Select); coding-DNA position 1291, C replaced by T.
Protein change: p.Arg431Cys; replaces arginine 431 with cysteine.
Molecular consequence: missense variant.
Genome position (GRCh38, 1-based): chr18:49,583,689, C>T. VCF-style: chr18-49583689-C-T. GRCh37 (hg19) VCF-style: chr18-47110059-C-T.
Other names: c.1069C>T, p.Arg357Cys (NM_001308006.2); c.1291C>T (NM_006033.2); short protein forms R431C, R357C.
Identifiers: ClinVar variation 2886432 (VCV002886432.4), dbSNP rs536799767, ClinGen allele CA8959351.